The following is an entry in ClinVar:

NM_019892.6(INPP5E):c.747C>G (p.Ser249=)

Gene: INPP5E (inositol polyphosphate-5-phosphatase E; minus strand). Cytogenetic location: 9q34.3.
Variant type: single nucleotide variant.
Coding change: c.747C>G on transcript NM_019892.6 (MANE Select); coding-DNA position 747, C replaced by G.
Protein change: p.Ser249=; no amino-acid change (serine 249 retained).
Molecular consequence: synonymous variant.
Genome position (GRCh38, 1-based): chr9:136,438,673, G>C on the plus strand (C>G on the coding strand, the complement: INPP5E is on the minus strand). VCF-style: chr9-136438673-G-C. GRCh37 (hg19) VCF-style: chr9-139333125-G-C.
Other names: c.747C>G, p.Ser249= (NM_001318502.2); c.747C>G (NM_019892.5).
Identifiers: ClinVar variation 1084745 (VCV001084745.11), dbSNP rs763877519, ClinGen allele CA5337088.

ClinVar aggregate classification (germline): Likely benign. Review status: criteria provided, multiple submitters, no conflicts (2 of 4 stars). 3 submissions from 3 submitters: Likely benign (2). 1 of the submissions does not count toward it. Last evaluated 2026-01-05.

Conditions:
INPP5E-related disorder. Also called: INPP5E-related condition.
Joubert syndrome. Also called: JOUBERT-BOLTSHAUSER SYNDROME; Familial aplasia of the vermis. Identifiers: Orphanet 475, MedGen C5979921, MONDO:0018772.

Allele frequency attached by ClinVar (database versions not stated): gnomAD exomes 0.00001; ExAC 0.00003; TOPMed 0.00004.

Submissions (3):

Labcorp Genetics (formerly Invitae), Labcorp
Classification: Likely benign for Joubert syndrome. Last evaluated: 2026-01-05. Review status: criteria provided, single submitter. Criteria: Invitae Variant Classification Sherloc (09022015). Collection method: clinical testing. Allele origin: germline.

Blueprint Genetics
Classification: Likely benign. Last evaluated: 2022-09-20. Review status: criteria provided, single submitter. Criteria: ACMG Guidelines, 2015. Collection method: clinical testing. Allele origin: germline.

PreventionGenetics, part of Exact Sciences
Classification: Likely benign for INPP5E-related condition. Last evaluated: 2022-05-03. Review status: no assertion criteria provided. Collection method: clinical testing. Allele origin: germline. Not counted in ClinVar's aggregate classification.
Comment: This variant is classified as likely benign based on ACMG/AMP sequence variant interpretation guidelines (Richards et al. 2015 PMID: 25741868, with internal and published modifications).